The following is an entry in ClinVar:

NM_032634.4(PIGO):c.581T>G (p.Phe194Cys)

Gene: PIGO (phosphatidylinositol glycan anchor biosynthesis class O; minus strand). Cytogenetic location: 9p13.3.
Variant type: single nucleotide variant.
Coding change: c.581T>G on transcript NM_032634.4 (MANE Select); coding-DNA position 581, T replaced by G.
Protein change: p.Phe194Cys; replaces phenylalanine 194 with cysteine.
Molecular consequence: missense variant.
Genome position (GRCh38, 1-based): chr9:35,094,290, A>C on the plus strand (T>G on the coding strand, the complement: PIGO is on the minus strand). VCF-style: chr9-35094290-A-C. GRCh37 (hg19) VCF-style: chr9-35094287-A-C.
Other names: c.581T>G, p.Phe194Cys (NM_001201484.2, NM_152850.4); short protein forms F194C.
Identifiers: ClinVar variation 955541 (VCV000955541.17), dbSNP rs61755365, ClinGen allele CA5040898.
Genomic context (GRCh38, chr9:35,094,290, plus strand): 5'-TGTTCCAGGATGCCATTGTCCACTGTGTCTAGGTCTCTGACATTGAAGGATGGGAAGAAG[A>C]AAGCTTTGGAGAAAGCACCAGGGAAAAGGTCTTTCCAGGTATCATCTCCCATGAAGACTA-3'
Protein context (NP_116023.2, residues 184-204): DLFPGAFSKA[Phe194Cys]FFPSFNVRDL

ClinVar aggregate classification (germline): Uncertain significance. Review status: criteria provided, multiple submitters, no conflicts (2 of 4 stars). 7 submissions from 7 submitters: Uncertain significance (4). 3 of the submissions do not count toward it. Last evaluated 2026-02-02.

Conditions:
Inborn genetic diseases. Identifiers: MedGen C0950123, MeSH D030342.
Hyperphosphatasia with impaired intellectual development syndrome 2. Also called: Hyperphosphatasia with intellectual disability syndrome 2; GLYCOSYLPHOSPHATIDYLINOSITOL BIOSYNTHESIS DEFECT 6. Identifiers: Orphanet 247262, MedGen C3553637, MONDO:0013882, OMIM 614749.

Allele frequency attached by ClinVar (database versions not stated): ExAC 0.00002; gnomAD exomes 0.00002 and 0.00004; gnomAD 0.00005 and 0.00006; TOPMed 0.00006.
gnomAD v4.1: 41 of 1,608,154 alleles (0.0025%); highest among the groups gnomAD compares: African/African-American, 0.012%; no homozygotes.

Submissions (7):

Labcorp Genetics (formerly Invitae), Labcorp
Classification: Uncertain significance for Hyperphosphatasia with impaired intellectual development syndrome 2. Last evaluated: 2026-02-02. Review status: criteria provided, single submitter. Criteria: Invitae Variant Classification Sherloc (09022015). Collection method: clinical testing. Allele origin: germline.
Comment: This sequence change replaces phenylalanine, which is neutral and non-polar, with cysteine, which is neutral and slightly polar, at codon 194 of the PIGO protein (p.Phe194Cys). This variant is present in population databases (rs61755365, gnomAD 0.02%). This variant has not been reported in the literature in individuals affected with PIGO-related conditions. ClinVar contains an entry for this variant (Variation ID: 955541). Invitae Evidence Modeling of protein sequence and biophysical properties (such as structural, functional, and spatial information, amino acid conservation, physicochemical variation, residue mobility, and thermodynamic stability) indicates that this missense variant is not expected to disrupt PIGO protein function with a negative predictive value of 80%. In summary, the available evidence is currently insufficient to determine the role of this variant in disease. Therefore, it has been classified as a Variant of Uncertain Significance.

Ambry Genetics
Classification: Uncertain significance for Inborn genetic diseases. Last evaluated: 2025-01-27. Review status: criteria provided, single submitter. Criteria: Ambry Variant Classification Scheme 2023. Collection method: clinical testing. Allele origin: germline.

GeneDx
Classification: Uncertain significance. Last evaluated: 2024-06-07. Review status: criteria provided, single submitter. Criteria: GeneDx Variant Classification Process June 2021. Collection method: clinical testing. Allele origin: germline. Affected: yes.
Comment: In silico analysis supports that this missense variant has a deleterious effect on protein structure/function; Has not been previously published as pathogenic or benign to our knowledge

Blueprint Genetics
Classification: Uncertain significance. Last evaluated: 2023-12-29. Review status: criteria provided, single submitter. Criteria: ACMG Guidelines, 2015. Collection method: clinical testing. Allele origin: germline.

Clinical Genetics DNA and cytogenetics Diagnostics Lab, Erasmus MC, Erasmus Medical Center
Classification: Uncertain significance. Review status: no assertion criteria provided. Collection method: clinical testing. Allele origin: germline. Affected: yes. Study: VKGL Data-share Consensus. Not counted in ClinVar's aggregate classification.

Joint Genome Diagnostic Labs from Nijmegen and Maastricht, Radboudumc and MUMC+
Classification: Uncertain significance. Review status: no assertion criteria provided. Collection method: clinical testing. Allele origin: germline. Affected: yes. Study: VKGL Data-share Consensus. Not counted in ClinVar's aggregate classification.

Laboratory of Diagnostic Genome Analysis, Leiden University Medical Center (LUMC)
Classification: Uncertain significance. Review status: no assertion criteria provided. Collection method: clinical testing. Allele origin: germline. Affected: yes. Study: VKGL Data-share Consensus. Not counted in ClinVar's aggregate classification.